The following is an entry in ClinVar:

NM_007317.3(KIF22):c.34C>T (p.Arg12Cys)

Gene: KIF22 (kinesin family member 22; plus strand). Cytogenetic location: 16p11.2.
Variant type: single nucleotide variant.
Coding change: c.34C>T on transcript NM_007317.3 (MANE Select); coding-DNA position 34, C replaced by T.
Protein change: p.Arg12Cys; replaces arginine 12 with cysteine.
Molecular consequence: missense variant. On other transcripts: 5 prime UTR variant (1).
Genome position (GRCh38, 1-based): chr16:29,790,793, C>T. VCF-style: chr16-29790793-C-T. GRCh37 (hg19) VCF-style: chr16-29802114-C-T.
Other names: c.-220C>T (NM_001256269.2); short protein forms R12C.
Identifiers: ClinVar variation 4705136 (VCV004705136.1).

ClinVar aggregate classification (germline): Uncertain significance (1 of 4 stars; one submission).

gnomAD v4.1: 12 of 1,603,726 alleles (0.00075%); highest among the groups gnomAD compares: Non-Finnish European, 0.00094%; no homozygotes.

Submission:

Labcorp Genetics (formerly Invitae), Labcorp
Classification: Uncertain significance. Last evaluated: 2025-03-26. Review status: criteria provided, single submitter. Criteria: Invitae Variant Classification Sherloc (09022015). Collection method: clinical testing. Allele origin: germline.
Comment: This sequence change replaces arginine, which is basic and polar, with cysteine, which is neutral and slightly polar, at codon 12 of the KIF22 protein (p.Arg12Cys). The frequency data for this variant in the population databases is considered unreliable, as metrics indicate poor data quality at this position in the gnomAD database. This variant has not been reported in the literature in individuals affected with KIF22-related conditions. An algorithm developed to predict the effect of missense changes on protein structure and function outputs the following: PolyPhen-2: "Probably Damaging". The cysteine amino acid residue is found in multiple mammalian species, which suggests that this missense change does not adversely affect protein function. In summary, the available evidence is currently insufficient to determine the role of this variant in disease. Therefore, it has been classified as a Variant of Uncertain Significance.